The following is an entry in ClinVar:

NM_013247.4(HTRA2):c.-324G>A

Genes: HTRA2 (HtrA serine peptidase 2; plus strand), AUP1 (AUP1 lipid droplet regulating VLDL assembly factor; minus strand). Cytogenetic location: 2p13.1.
Variant type: single nucleotide variant.
Coding change: c.-324G>A on transcript NM_013247.4; 324 bases upstream of the start codon, G replaced by A.
Molecular consequence: 5 prime UTR variant (on NM_181575.5). On other transcripts: non-coding transcript variant (6).
Genome position (GRCh38, 1-based): chr2:74,529,683, G>A. VCF-style: chr2-74529683-G-A. GRCh37 (hg19) VCF-style: chr2-74756810-G-A.
Other names: c.-324G>A (NM_001321727.1, NM_001321728.1, NM_145074.2); c.-54C>T (NM_181575.5).
Identifiers: ClinVar variation 897609 (VCV000897609.6), dbSNP rs374306906, ClinGen allele CA1728246.

ClinVar aggregate classification (germline): Likely benign (1 of 4 stars; one submission).

Conditions:
Parkinson disease 13, autosomal dominant, susceptibility to. Identifiers: Orphanet 2828, MedGen C1853202, MONDO:0012466, OMIM 610297.

Allele frequency attached by ClinVar (database versions not stated): gnomAD 0.00014 and 0.00015; gnomAD exomes 0.00009; ExAC 0.00017; TOPMed 0.00019.
gnomAD v4.1: 95 of 1,540,590 alleles (0.0062%); highest among the groups gnomAD compares: South Asian, 0.06%; no homozygotes.

Submission:

Illumina Laboratory Services, Illumina
Classification: Likely benign for Parkinson disease 13, autosomal dominant, susceptibility to. Last evaluated: 2018-01-13. Review status: criteria provided, single submitter. Criteria: ICSL Variant Classification Criteria 13 December 2019. Collection method: clinical testing. Allele origin: germline.
Comment: This variant was observed in the ICSL laboratory as part of a predisposition screen in an ostensibly healthy population. It had not been previously curated by ICSL or reported in the Human Gene Mutation Database (HGMD: prior to June 1st, 2018), and was therefore a candidate for classification through an automated scoring system. Utilizing variant allele frequency, disease prevalence and penetrance estimates, and inheritance mode, an automated score was calculated to assess if this variant is too frequent to cause the disease. Based on the score and internal cut-off values, a variant classified as likely benign is not then subjected to further curation. The score for this variant resulted in a classification of likely benign for this disease.